The following is an entry in ClinVar:

ClinVar aggregate classification (germline): Conflicting classifications of pathogenicity. Review status: criteria provided, conflicting classifications (1 of 4 stars). 2 submissions from 2 submitters: Uncertain significance (1); Likely benign (1). Last evaluated 2024-09-14.

Conditions:
Hereditary cancer-predisposing syndrome. Also called: Hereditary neoplastic syndrome; Neoplastic Syndromes, Hereditary; Tumor predisposition; Hereditary Cancer Syndrome. Identifiers: Orphanet 140162, MedGen C0027672, MeSH D009386, MONDO:0015356.
Ataxia-telangiectasia syndrome (AT). Also called: Ataxia telangiectasia (A-T); LOUIS-BAR SYNDROME; Cerebello-oculocutaneous telangiectasia; Immunodeficiency with ataxia telangiectasia; Ataxia-telangiectasia, complementation group D; AT, COMPLEMENTATION GROUP C. Identifiers: Orphanet 100, MedGen C0004135, MONDO:0008840, OMIM 208900.

Allele frequency attached by ClinVar (database versions not stated): TOPMed below 0.00001.

Submissions (2):

Labcorp Genetics (formerly Invitae), Labcorp
Classification: Uncertain significance for Ataxia-telangiectasia syndrome. Last evaluated: 2024-09-14. Review status: criteria provided, single submitter. Criteria: Invitae Variant Classification Sherloc (09022015). Collection method: clinical testing. Allele origin: germline.
Comment: This sequence change replaces serine, which is neutral and polar, with asparagine, which is neutral and polar, at codon 1004 of the ATM protein (p.Ser1004Asn). This variant is not present in population databases (gnomAD no frequency). This variant has not been reported in the literature in individuals affected with ATM-related conditions. ClinVar contains an entry for this variant (Variation ID: 407711). An algorithm developed to predict the effect of missense changes on protein structure and function (PolyPhen-2) suggests that this variant is likely to be tolerated. In summary, the available evidence is currently insufficient to determine the role of this variant in disease. Therefore, it has been classified as a Variant of Uncertain Significance.

Ambry Genetics
Classification: Likely benign for Hereditary cancer-predisposing syndrome. Last evaluated: 2024-07-05. Review status: criteria provided, single submitter. Criteria: Ambry Variant Classification Scheme 2023. Collection method: clinical testing. Allele origin: germline.

NM_000051.4(ATM):c.3011G>A (p.Ser1004Asn)

Gene: ATM (ATM serine/threonine kinase; plus strand). Cytogenetic location: 11q22.3.
Variant type: single nucleotide variant.
Coding change: c.3011G>A on transcript NM_000051.4 (MANE Select); coding-DNA position 3011, G replaced by A.
Protein change: p.Ser1004Asn; replaces serine 1004 with asparagine.
Molecular consequence: missense variant.
Genome position (GRCh38, 1-based): chr11:108,271,340, G>A. VCF-style: chr11-108271340-G-A. GRCh37 (hg19) VCF-style: chr11-108142067-G-A.
Other names: c.3011G>A, p.Ser1004Asn (NM_001351834.2); short protein forms S1004N.
Identifiers: ClinVar variation 407711 (VCV000407711.14), dbSNP rs1060501696, ClinGen allele CA16613394.